The following is an entry in ClinVar:

ClinVar aggregate classification (germline): Uncertain significance (1 of 4 stars; one submission).

Submission:

GeneDx
Classification: Uncertain significance. Last evaluated: 2023-05-24. Review status: criteria provided, single submitter. Criteria: GeneDx Variant Classification Process June 2021. Collection method: clinical testing. Allele origin: germline. Affected: yes.
Comment: Not observed at significant frequency in large population cohorts (gnomAD); In silico analysis supports that this missense variant does not alter protein structure/function; Has not been previously published as pathogenic or benign to our knowledge

NM_002971.6(SATB1):c.1779+638G>C

Gene: SATB1 (SATB homeobox 1; minus strand). Cytogenetic location: 3p24.3.
Variant type: single nucleotide variant.
Coding change: c.1779+638G>C on transcript NM_002971.6 (MANE Select); 638 bases into the intron after coding-DNA position 1779, G replaced by C.
Molecular consequence: intron variant. On other transcripts: missense variant (2).
Genome position (GRCh38, 1-based): chr3:18,351,354, C>G on the plus strand (G>C on the coding strand, the complement: SATB1 is on the minus strand). VCF-style: chr3-18351354-C-G. GRCh37 (hg19) VCF-style: chr3-18392846-C-G.
Other names: c.1834G>C, p.Gly612Arg (NM_001195470.3, NM_001322871.2); c.1779+638G>C (NM_001322874.2, NM_001322872.2, NM_001322873.2 and 2 more transcripts); c.1563+638G>C (NM_001322876.2); short protein forms G612R.
Identifiers: ClinVar variation 3343798 (VCV003343798.1).
Genomic context (GRCh38, chr3:18,351,354, plus strand): 5'-GGTAACTGTGCCCGCTCACCTGAGGAGCAGCACCGAGCCATGGTGCAGGGGTCGGCAGGC[C>G]TGGTAAGAAAACGCCTCTAGACTCTCCTTTCCCAAGGGTGGTGGGAGAGGGGCTCTAAAG-3'